The following is an entry in ClinVar:

NM_001330723.2(SNX27):c.563C>G (p.Ala188Gly)

Gene: SNX27 (sorting nexin 27; plus strand). Cytogenetic location: 1q21.3.
Variant type: single nucleotide variant.
Coding change: c.563C>G on transcript NM_001330723.2 (MANE Select); coding-DNA position 563, C replaced by G.
Protein change: p.Ala188Gly; replaces alanine 188 with glycine.
Molecular consequence: missense variant.
Genome position (GRCh38, 1-based): chr1:151,658,254, C>G. VCF-style: chr1-151658254-C-G. GRCh37 (hg19) VCF-style: chr1-151630730-C-G.
Other names: c.563C>G, p.Ala188Gly (NM_030918.6); short protein forms A188G.
Identifiers: ClinVar variation 1384962 (VCV001384962.6), dbSNP rs2102676713, ClinGen allele CA341958375.
Genomic context (GRCh38, chr1:151,658,254, plus strand): 5'-TGTATTAAGTATGCTTTTCTTTTGTTCTTCTCCTTCACCAGGTATATAATGTTTACATGG[C>G]AGGGAGGCAGCTGTGTTCTAAGCGGTACCGGGAGTTTGCTATCCTACACCAGAACCTGAA-3'
Protein context (NP_001317652.1, residues 178-198): EKFVVYNVYM[Ala188Gly]GRQLCSKRYR

ClinVar aggregate classification (germline): Uncertain significance (1 of 4 stars; one submission).

Conditions:
Severe myoclonic epilepsy in infancy (DRVT). Also called: Epileptic encephalopathy, early infantile, 6 (Dravet syndrome); Dravet syndrome; SEVERE MYOCLONIC EPILEPSY OF INFANCY; DEVELOPMENTAL AND EPILEPTIC ENCEPHALOPATHY 6A; Severe Myoclonic Epilepsy in Infancy (SMEI). Identifiers: Orphanet 33069, MedGen C0751122, MONDO:0100135, OMIM 607208.

gnomAD v4.1: 1 of 1,610,350 alleles (0.000062%); no homozygotes.

Submission:

Labcorp Genetics (formerly Invitae), Labcorp
Classification: Uncertain significance for Severe myoclonic epilepsy in infancy. Last evaluated: 2022-06-29. Review status: criteria provided, single submitter. Criteria: Invitae Variant Classification Sherloc (09022015). Collection method: clinical testing. Allele origin: germline.
Comment: In summary, the available evidence is currently insufficient to determine the role of this variant in disease. Therefore, it has been classified as a Variant of Uncertain Significance. Algorithms developed to predict the effect of missense changes on protein structure and function are either unavailable or do not agree on the potential impact of this missense change (SIFT: "Deleterious"; PolyPhen-2: "Possibly Damaging"; Align-GVGD: "Class C0"). This variant has not been reported in the literature in individuals affected with SNX27-related conditions. This variant is not present in population databases (gnomAD no frequency). This sequence change replaces alanine, which is neutral and non-polar, with glycine, which is neutral and non-polar, at codon 188 of the SNX27 protein (p.Ala188Gly).